The following is an entry in ClinVar:

ClinVar aggregate classification (germline): Likely benign. Review status: criteria provided, single submitter (1 of 4 stars). 2 submissions from 2 submitters: Likely benign (1). 1 of the submissions does not count toward it. Last evaluated 2023-09-12.

Conditions:
B4GALT1-related disorder. Also called: B4GALT1-related condition.

Allele frequency attached by ClinVar (database versions not stated): gnomAD 0.00001; gnomAD exomes 0.00001; TOPMed 0.00001.
gnomAD v4.1: 5 of 1,546,580 alleles (0.00032%); highest among the groups gnomAD compares: Non-Finnish European, 0.00035%; no homozygotes.

Submissions (2):

Labcorp Genetics (formerly Invitae), Labcorp
Classification: Likely benign. Last evaluated: 2023-09-12. Review status: criteria provided, single submitter. Criteria: Invitae Variant Classification Sherloc (09022015). Collection method: clinical testing. Allele origin: germline.

PreventionGenetics, part of Exact Sciences
Classification: Likely benign for B4GALT1-related condition. Last evaluated: 2019-10-07. Review status: no assertion criteria provided. Collection method: clinical testing. Allele origin: germline. Not counted in ClinVar's aggregate classification.
Comment: This variant is classified as likely benign based on ACMG/AMP sequence variant interpretation guidelines (Richards et al. 2015 PMID: 25741868, with internal and published modifications).

NM_001497.4(B4GALT1):c.357G>T (p.Val119=)

Gene: B4GALT1 (beta-1,4-galactosyltransferase 1; minus strand). Cytogenetic location: 9p21.1.
Variant type: single nucleotide variant.
Coding change: c.357G>T on transcript NM_001497.4 (MANE Select); coding-DNA position 357, G replaced by T.
Protein change: p.Val119=; no amino-acid change (valine 119 retained).
Molecular consequence: synonymous variant.
Genome position (GRCh38, 1-based): chr9:33,166,813, C>A on the plus strand (G>T on the coding strand, the complement: B4GALT1 is on the minus strand). VCF-style: chr9-33166813-C-A. GRCh37 (hg19) VCF-style: chr9-33166811-C-A.
Other names: c.318G>T, p.Val106= (NM_001378495.1); c.357G>T, p.Val119= (NM_001378496.1, NM_001378497.1).
Identifiers: ClinVar variation 1585926 (VCV001585926.10), dbSNP rs886063874, ClinGen allele CA10633553.